The following is an entry in ClinVar:

ClinVar aggregate classification (germline): Uncertain significance. Review status: criteria provided, multiple submitters, no conflicts (2 of 4 stars). 2 submissions from 2 submitters: Uncertain significance (2). Last evaluated 2024-10-29.

Conditions:
Saldino-Mainzer syndrome (SRTD9). Also called: Renal dysplasia, retinal pigmentary dystrophy, cerebellar ataxia and skeletal dysplasia; SHORT-RIB THORACIC DYSPLASIA 9 WITHOUT POLYDACTYLY; CONORENAL SYNDROME; short-rib thoracic dysplasia 9 with or without polydactyly. Identifiers: Orphanet 140969, MedGen C1849437, MONDO:0009964, OMIM 266920.

Allele frequency attached by ClinVar (database versions not stated): ExAC 0.00002; gnomAD exomes 0.00002; gnomAD 0.00003; TOPMed 0.00003.
gnomAD v4.1: 40 of 1,613,868 alleles (0.0025%); highest among the groups gnomAD compares: Non-Finnish European, 0.0032%; no homozygotes.

Submissions (2):

Labcorp Genetics (formerly Invitae), Labcorp
Classification: Uncertain significance for Saldino-Mainzer syndrome. Last evaluated: 2024-10-29. Review status: criteria provided, single submitter. Criteria: Invitae Variant Classification Sherloc (09022015). Collection method: clinical testing. Allele origin: germline.
Comment: This sequence change replaces leucine, which is neutral and non-polar, with proline, which is neutral and non-polar, at codon 1117 of the IFT140 protein (p.Leu1117Pro). This variant is present in population databases (rs749518919, gnomAD 0.007%). This variant has not been reported in the literature in individuals affected with IFT140-related conditions. ClinVar contains an entry for this variant (Variation ID: 1042320). Invitae Evidence Modeling of protein sequence and biophysical properties (such as structural, functional, and spatial information, amino acid conservation, physicochemical variation, residue mobility, and thermodynamic stability) has been performed for this missense variant. However, the output from this modeling did not meet the statistical confidence thresholds required to predict the impact of this variant on IFT140 protein function. In summary, the available evidence is currently insufficient to determine the role of this variant in disease. Therefore, it has been classified as a Variant of Uncertain Significance.

Blueprint Genetics
Classification: Uncertain significance. Last evaluated: 2024-07-02. Review status: criteria provided, single submitter. Criteria: ACMG Guidelines, 2015. Collection method: clinical testing. Allele origin: germline.

NM_014714.4(IFT140):c.3350T>C (p.Leu1117Pro)

Gene: IFT140 (intraflagellar transport 140; minus strand). Cytogenetic location: 16p13.3.
Variant type: single nucleotide variant.
Coding change: c.3350T>C on transcript NM_014714.4 (MANE Select); coding-DNA position 3350, T replaced by C.
Protein change: p.Leu1117Pro; replaces leucine 1117 with proline.
Molecular consequence: missense variant.
Genome position (GRCh38, 1-based): chr16:1,523,621, A>G on the plus strand (T>C on the coding strand, the complement: IFT140 is on the minus strand). VCF-style: chr16-1523621-A-G. GRCh37 (hg19) VCF-style: chr16-1573622-A-G.
Other names: short protein forms L1117P.
Identifiers: ClinVar variation 1042320 (VCV001042320.8), dbSNP rs749518919, ClinGen allele CA7813199.
Genomic context (GRCh38, chr16:1,523,621, plus strand): 5'-CTGTGCTCGATGAAGAAGTCGGAGCAGCGGGCCAGGAGCGCAGGGTCTGACGTCTCATCC[A>G]GGTCCTCTGCTATGAGCTGTAGGGCCACAAACTGCTGGGTGGCAAAGGCCAGCTCCAGGG-3'
Protein context (NP_055529.2, residues 1107-1127): FVALQLIAED[Leu1117Pro]DETSDPALLA